The following is an entry in ClinVar:

ClinVar aggregate classification (germline): Uncertain significance (1 of 4 stars; one submission).

Submission:

GeneDx
Classification: Uncertain significance. Last evaluated: 2022-03-17. Review status: criteria provided, single submitter. Criteria: GeneDx Variant Classification Process June 2021. Collection method: clinical testing. Allele origin: germline. Affected: yes.
Comment: Has not been previously published as pathogenic or benign to our knowledge; In silico analysis supports that this missense variant does not alter protein structure/function; Reliable data are not available in large population cohorts to assess the frequency of this variant in publicly available databases

NM_022454.4(SOX17):c.685G>C (p.Gly229Arg)

Gene: SOX17 (SRY-box transcription factor 17; plus strand). Cytogenetic location: 8q11.23.
Variant type: single nucleotide variant.
Coding change: c.685G>C on transcript NM_022454.4 (MANE Select); coding-DNA position 685, G replaced by C.
Protein change: p.Gly229Arg; replaces glycine 229 with arginine.
Molecular consequence: missense variant.
Genome position (GRCh38, 1-based): chr8:54,459,435, G>C. VCF-style: chr8-54459435-G-C. GRCh37 (hg19) VCF-style: chr8-55371995-G-C.
Other names: short protein forms G229R.
Identifiers: ClinVar variation 1706147 (VCV001706147.2), dbSNP rs904919754, ClinGen allele CA371024939.